The following is an entry in ClinVar:

NM_014991.6(WDFY3):c.2936-3C>T

Genes: WDFY3 (WD repeat and FYVE domain containing 3; minus strand), WDFY3-AS1 (WDFY3 antisense RNA 1; plus strand). Cytogenetic location: 4q21.23.
Variant type: single nucleotide variant.
Coding change: c.2936-3C>T on transcript NM_014991.6 (MANE Select); 3 bases into the intron before coding-DNA position 2936, C replaced by T.
Molecular consequence: intron variant.
Genome position (GRCh38, 1-based): chr4:84,796,755, G>A on the plus strand (C>T on the coding strand, the complement: WDFY3 is on the minus strand). VCF-style: chr4-84796755-G-A. GRCh37 (hg19) VCF-style: chr4-85717908-G-A.
Identifiers: ClinVar variation 2444667 (VCV002444667.1), dbSNP rs2533804950, ClinGen allele CA2580071851.

ClinVar aggregate classification (germline): Uncertain significance (1 of 4 stars; one submission).

Submission:

GeneDx
Classification: Uncertain significance. Last evaluated: 2022-08-12. Review status: criteria provided, single submitter. Criteria: GeneDx Variant Classification Process June 2021. Collection method: clinical testing. Allele origin: germline. Affected: yes.
Comment: Not observed at significant frequency in large population cohorts (gnomAD); Has not been previously published as pathogenic or benign to our knowledge; In-silico analysis is inconclusive as to whether the variant alters gene splicing. In the absence of RNA/functional studies, the actual effect of this sequence change is unknown.